The following is an entry in ClinVar:

ClinVar aggregate classification (germline): Uncertain significance (1 of 4 stars; one submission).

Submission:

Labcorp Genetics (formerly Invitae), Labcorp
Classification: Uncertain significance. Last evaluated: 2025-08-29. Review status: criteria provided, single submitter. Criteria: Invitae Variant Classification Sherloc (09022015). Collection method: clinical testing. Allele origin: germline.
Comment: This sequence change falls in intron 5 of the KRT6B gene. It does not directly change the encoded amino acid sequence of the KRT6B protein. Information on the frequency of this variant in the gnomAD database is not available, as this variant may be reported differently in the database. This variant has not been reported in the literature in individuals affected with KRT6B-related conditions. Experimental studies and prediction algorithms are not available or were not evaluated, and the effect of this variant on mRNA splicing is currently unknown. In summary, the available evidence is currently insufficient to determine the role of this variant in disease. Therefore, it has been classified as a Variant of Uncertain Significance.

NM_005555.4(KRT6B):c.1077+20_1077+21delinsAA

Gene: KRT6B (keratin 6B; minus strand). Cytogenetic location: 12q13.13.
Variant type: Indel.
Coding change: c.1077+20_1077+21delinsAA on transcript NM_005555.4 (MANE Select); bases 20 to 21 of the intron after coding-DNA position 1077, CC replaced by AA.
Molecular consequence: intron variant.
Genome position (GRCh38, 1-based): chr12:52,449,448-52,449,449, GG replaced by TT on the plus strand (CC replaced by AA on the coding strand, the reverse complement: KRT6B is on the minus strand). VCF-style: chr12-52449448-GG-TT. GRCh37 (hg19) VCF-style: chr12-52843232-GG-TT.
Identifiers: ClinVar variation 4703814 (VCV004703814.1).